The following is an entry in ClinVar:

ClinVar aggregate classification (germline): Uncertain significance (1 of 4 stars; one submission).

Conditions:
Gingival disorder. Also called: Gingival disease. Identifiers: MedGen C0017563, MONDO:0002021.

Submission:

Labcorp Genetics (formerly Invitae), Labcorp
Classification: Uncertain significance for Gingival disorder. Last evaluated: 2024-02-24. Review status: criteria provided, single submitter. Criteria: Invitae Variant Classification Sherloc (09022015). Collection method: clinical testing. Allele origin: germline.
Comment: This sequence change creates a premature translational stop signal (p.Ser181Alafs*7) in the FPR1 gene. While this is not anticipated to result in nonsense mediated decay, it is expected to disrupt the last 170 amino acid(s) of the FPR1 protein. This variant is not present in population databases (gnomAD no frequency). This variant has not been reported in the literature in individuals affected with FPR1-related conditions. Experimental studies and prediction algorithms are not available or were not evaluated, and the functional significance of this variant is currently unknown. In summary, the available evidence is currently insufficient to determine the role of this variant in disease. Therefore, it has been classified as a Variant of Uncertain Significance.

NM_002029.4(FPR1):c.540_541del (p.Ser181fs)

Gene: FPR1 (formyl peptide receptor 1; minus strand). Cytogenetic location: 19q13.41.
Variant type: Deletion.
Coding change: c.540_541del on transcript NM_002029.4 (MANE Select); coding-DNA positions 540 to 541, 2 bases deleted (TT; older notation c.540_541delTT).
Protein change: p.Ser181fs; shifts the reading frame from serine 181.
Molecular consequence: frameshift variant.
Genome position (GRCh38, 1-based): chr19:51,746,454-51,746,455, AA deleted on the plus strand (TT on the coding strand, the reverse complement: FPR1 is on the minus strand); deleting any 2 consecutive bases within chr19:51,746,454-51,746,457 gives the same sequence; the c. name uses the placement nearest the transcript's 3' end. VCF-style (leftmost placement, unchanged base first): chr19-51746453-GAA-G. GRCh37 (hg19) VCF-style: chr19-52249706-GAA-G.
Other names: c.540_541del, p.Ser181fs (NM_001193306.2); short protein forms S181fs.
Identifiers: ClinVar variation 3642984 (VCV003642984.2).